The following is an entry in ClinVar:

ClinVar aggregate classification (germline): Uncertain significance (1 of 4 stars; one submission).

gnomAD v4.1: 1 of 1,614,228 alleles (0.000062%); highest among the groups gnomAD compares: Non-Finnish European, 0.000085%; no homozygotes.

Submission:

Labcorp Genetics (formerly Invitae), Labcorp
Classification: Uncertain significance. Last evaluated: 2022-09-01. Review status: criteria provided, single submitter. Criteria: Invitae Variant Classification Sherloc (09022015). Collection method: clinical testing. Allele origin: germline.
Comment: In summary, the available evidence is currently insufficient to determine the role of this variant in disease. Therefore, it has been classified as a Variant of Uncertain Significance. Algorithms developed to predict the effect of missense changes on protein structure and function are either unavailable or do not agree on the potential impact of this missense change (SIFT: "Tolerated"; PolyPhen-2: "Possibly Damaging"; Align-GVGD: "Class C15"). This variant has not been reported in the literature in individuals affected with AARS2-related conditions. This variant is not present in population databases (gnomAD no frequency). This sequence change replaces threonine, which is neutral and polar, with asparagine, which is neutral and polar, at codon 635 of the AARS2 protein (p.Thr635Asn).

NM_020745.4(AARS2):c.1904C>A (p.Thr635Asn)

Gene: AARS2 (alanyl-tRNA synthetase 2, mitochondrial; minus strand). Cytogenetic location: 6p21.1.
Variant type: single nucleotide variant.
Coding change: c.1904C>A on transcript NM_020745.4 (MANE Select); coding-DNA position 1904, C replaced by A.
Protein change: p.Thr635Asn; replaces threonine 635 with asparagine.
Molecular consequence: missense variant.
Genome position (GRCh38, 1-based): chr6:44,304,284, G>T on the plus strand (C>A on the coding strand, the complement: AARS2 is on the minus strand). VCF-style: chr6-44304284-G-T. GRCh37 (hg19) VCF-style: chr6-44272021-G-T.
Other names: short protein forms T635N.
Identifiers: ClinVar variation 2124737 (VCV002124737.4), dbSNP rs759216136, ClinGen allele CA138388661.